The following is an entry in ClinVar:

NM_000081.4(LYST):c.5117A>C (p.Asn1706Thr)

Gene: LYST (lysosomal trafficking regulator; minus strand). Cytogenetic location: 1q42.3.
Variant type: single nucleotide variant.
Coding change: c.5117A>C on transcript NM_000081.4 (MANE Select); coding-DNA position 5117, A replaced by C.
Protein change: p.Asn1706Thr; replaces asparagine 1706 with threonine.
Molecular consequence: missense variant.
Genome position (GRCh38, 1-based): chr1:235,780,962, T>G on the plus strand (A>C on the coding strand, the complement: LYST is on the minus strand). VCF-style: chr1-235780962-T-G. GRCh37 (hg19) VCF-style: chr1-235944262-T-G.
Other names: c.5117A>C, p.Asn1706Thr (NM_001301365.1); short protein forms N1706T.
Identifiers: ClinVar variation 4742852 (VCV004742852.1).

ClinVar aggregate classification (germline): Uncertain significance (1 of 4 stars; one submission).

Conditions:
Chédiak-Higashi syndrome (CHS). Also called: Chediak-Higashi Syndrome. Identifiers: Orphanet 167, MedGen C0007965, MONDO:0008963, OMIM 214500.

gnomAD v4.1: 1 of 1,606,010 alleles (0.000062%); highest among the groups gnomAD compares: Non-Finnish European, 0.000085%; no homozygotes.

Submission:

Labcorp Genetics (formerly Invitae), Labcorp
Classification: Uncertain significance for Chédiak-Higashi syndrome. Last evaluated: 2025-08-29. Review status: criteria provided, single submitter. Criteria: Invitae Variant Classification Sherloc (09022015). Collection method: clinical testing. Allele origin: germline.
Comment: This sequence change replaces asparagine, which is neutral and polar, with threonine, which is neutral and polar, at codon 1706 of the LYST protein (p.Asn1706Thr). This variant is not present in population databases (gnomAD no frequency). This variant has not been reported in the literature in individuals affected with LYST-related conditions. Invitae Evidence Modeling of protein sequence and biophysical properties (such as structural, functional, and spatial information, amino acid conservation, physicochemical variation, residue mobility, and thermodynamic stability) indicates that this missense variant is not expected to disrupt LYST protein function with a negative predictive value of 80%. In summary, the available evidence is currently insufficient to determine the role of this variant in disease. Therefore, it has been classified as a Variant of Uncertain Significance.